The following is an entry in ClinVar:

ClinVar aggregate classification (germline): Uncertain significance. Review status: criteria provided, multiple submitters, no conflicts (2 of 4 stars). 4 submissions from 4 submitters: Uncertain significance (4). Last evaluated 2026-09-17.

Conditions:
Retinitis pigmentosa (RP). Identifiers: Orphanet 791, MedGen C0035334, MeSH D012174, MONDO:0019200, OMIM 268000. Inheritance: Autosomal dominant, autosomal recessive and X linked inheritance.
PCARE-related disorder. Also called: PCARE-related condition.

Allele frequency attached by ClinVar (database versions not stated): gnomAD exomes 0.00010 and 0.00026; ExAC 0.00011; gnomAD 0.00015 and 0.00018; TOPMed 0.00016; ESP Exome Variant Server 0.00024; 1000 Genomes Project 30x 0.00031; 1000 Genomes Project 0.00060.
gnomAD v4.1: 426 of 1,614,084 alleles (0.026%); highest among the groups gnomAD compares: Admixed American, 0.032%; no homozygotes.

Submissions (4):

PreventionGenetics, part of Exact Sciences
Classification: Uncertain significance for PCARE-related condition. Last evaluated: 2026-09-17. Review status: criteria provided, single submitter. Criteria: ACMG Guidelines, 2015. Collection method: clinical testing. Allele origin: germline.
Comment: The PCARE c.3529C>T variant is predicted to result in the amino acid substitution p.Arg1177Trp. To our knowledge, this variant has not been reported in the literature. This variant is reported in 0.016% of alleles in individuals of European (Non-Finnish) descent in gnomAD. At this time, the clinical significance of this variant is uncertain due to the absence of conclusive functional and genetic evidence.

Blueprint Genetics
Classification: Uncertain significance. Last evaluated: 2024-10-14. Review status: criteria provided, single submitter. Criteria: ACMG Guidelines, 2015. Collection method: clinical testing. Allele origin: germline.

Labcorp Genetics (formerly Invitae), Labcorp
Classification: Uncertain significance. Last evaluated: 2022-10-05. Review status: criteria provided, single submitter. Criteria: Invitae Variant Classification Sherloc (09022015). Collection method: clinical testing. Allele origin: germline.
Comment: This sequence change replaces arginine, which is basic and polar, with tryptophan, which is neutral and slightly polar, at codon 1177 of the PCARE protein (p.Arg1177Trp). This variant is present in population databases (rs201354788, gnomAD 0.02%). This variant has not been reported in the literature in individuals affected with PCARE-related conditions. ClinVar contains an entry for this variant (Variation ID: 335641). Algorithms developed to predict the effect of missense changes on protein structure and function are either unavailable or do not agree on the potential impact of this missense change (SIFT: "Deleterious"; PolyPhen-2: "Probably Damaging"; Align-GVGD: "Class C0"). In summary, the available evidence is currently insufficient to determine the role of this variant in disease. Therefore, it has been classified as a Variant of Uncertain Significance.

Illumina Laboratory Services, Illumina
Classification: Uncertain significance for Retinitis pigmentosa. Last evaluated: 2018-01-12. Review status: criteria provided, single submitter. Criteria: ICSL Variant Classification Criteria 13 December 2019. Collection method: clinical testing. Allele origin: germline.

NM_001029883.3(PCARE):c.3529C>T (p.Arg1177Trp)

Gene: PCARE (photoreceptor cilium actin regulator; minus strand). Cytogenetic location: 2p23.2.
Variant type: single nucleotide variant.
Coding change: c.3529C>T on transcript NM_001029883.3 (MANE Select); coding-DNA position 3529, C replaced by T.
Protein change: p.Arg1177Trp; replaces arginine 1177 with tryptophan.
Molecular consequence: missense variant.
Genome position (GRCh38, 1-based): chr2:29,070,733, G>A on the plus strand (C>T on the coding strand, the complement: PCARE is on the minus strand). VCF-style: chr2-29070733-G-A. GRCh37 (hg19) VCF-style: chr2-29293599-G-A.
Other names: short protein forms R1177W.
Identifiers: ClinVar variation 335641 (VCV000335641.11), dbSNP rs201354788, ClinGen allele CA1591905.